The following is an entry in ClinVar:

NM_000843.4(GRM6):c.820C>T (p.Arg274Trp)

Gene: GRM6 (glutamate metabotropic receptor 6; minus strand). Cytogenetic location: 5q35.3.
Variant type: single nucleotide variant.
Coding change: c.820C>T on transcript NM_000843.4 (MANE Select); coding-DNA position 820, C replaced by T.
Protein change: p.Arg274Trp; replaces arginine 274 with tryptophan.
Molecular consequence: missense variant.
Genome position (GRCh38, 1-based): chr5:178,991,461, G>A on the plus strand (C>T on the coding strand, the complement: GRM6 is on the minus strand). VCF-style: chr5-178991461-G-A. GRCh37 (hg19) VCF-style: chr5-178418462-G-A.
Other names: short protein forms R274W.
Identifiers: ClinVar variation 1014827 (VCV001014827.7), dbSNP rs577125911, ClinGen allele CA3594341.

ClinVar aggregate classification (germline): Uncertain significance. Review status: criteria provided, multiple submitters, no conflicts (2 of 4 stars). 2 submissions from 2 submitters: Uncertain significance (2). Last evaluated 2023-07-27.

Allele frequency attached by ClinVar (database versions not stated): ExAC 0.00001; gnomAD 0.00001 and 0.00002; gnomAD exomes 0.00001; TOPMed 0.00002; 1000 Genomes Project 0.00020; 1000 Genomes Project 30x 0.00031.
gnomAD v4.1: 14 of 1,613,738 alleles (0.00087%); highest among the groups gnomAD compares: Admixed American, 0.0033%; no homozygotes.

Submissions (2):

Blueprint Genetics
Classification: Uncertain significance. Last evaluated: 2023-07-27. Review status: criteria provided, single submitter. Criteria: ACMG Guidelines, 2015. Collection method: clinical testing. Allele origin: germline.

Labcorp Genetics (formerly Invitae), Labcorp
Classification: Uncertain significance. Last evaluated: 2022-08-22. Review status: criteria provided, single submitter. Criteria: Invitae Variant Classification Sherloc (09022015). Collection method: clinical testing. Allele origin: germline.
Comment: This sequence change replaces arginine, which is basic and polar, with tryptophan, which is neutral and slightly polar, at codon 274 of the GRM6 protein (p.Arg274Trp). This variant is present in population databases (rs577125911, gnomAD 0.003%). This variant has not been reported in the literature in individuals affected with GRM6-related conditions. ClinVar contains an entry for this variant (Variation ID: 1014827). Advanced modeling of protein sequence and biophysical properties (such as structural, functional, and spatial information, amino acid conservation, physicochemical variation, residue mobility, and thermodynamic stability) performed at Invitae indicates that this missense variant is expected to disrupt GRM6 protein function. In summary, the available evidence is currently insufficient to determine the role of this variant in disease. Therefore, it has been classified as a Variant of Uncertain Significance.